The following is an entry in ClinVar:

ClinVar aggregate classification (germline): Uncertain significance. Review status: criteria provided, multiple submitters, no conflicts (2 of 4 stars). 2 submissions from 2 submitters: Uncertain significance (2). Last evaluated 2023-10-20.

Conditions:
Familial cancer of breast. Also called: hereditary breast carcinoma; Hereditary breast cancer; BREAST CANCER, FAMILIAL. Identifiers: Orphanet 227535, MedGen C0346153, MONDO:0016419, OMIM 114480. Disease mechanism: loss of function.

gnomAD v4.1: 2 of 1,612,748 alleles (0.00012%); highest among the groups gnomAD compares: Non-Finnish European, 0.000085%; no homozygotes.

Submissions (2):

Revvity Omics, Revvity
Classification: Uncertain significance. Last evaluated: 2023-10-20. Review status: criteria provided, single submitter. Criteria: ACMG Guidelines, 2015. Collection method: clinical testing. Allele origin: germline.

KCCC/NGS Laboratory, Kuwait Cancer Control Center
Classification: Uncertain significance for Familial cancer of breast. Last evaluated: 2023-07-07. Review status: criteria provided, single submitter. Criteria: ACMG Guidelines, 2015. Collection method: clinical testing. Allele origin: unknown. Affected: yes.
Comment: This sequence change replaces lysine with methionine at codon 235 of the CHEK2 protein (p.Lys235Met). The lysine residue is highly conserved. This variant is not present in population databases (ExAC no frequency). This variant has not been reported in the literature in individuals with CHEK2-related disease. ClinVar does not contain an entry for this variant. However, an alternative variant (c.704A>G) has a ClinVar entry with 4 submissions, all of which describe it as of uncertain significance (ClinVar 142380). In-silico predictions show pathogenic computational verdict based on 9 pathogenic predictions from SIFT, PolyPhen, BayesDel_addAF, DANN, EIGEN, FATHMM-MKL, LIST-S2, MutationTaster and SIFT vs 5 benign predictions from DEOGEN2, M-CAP, MVP, MutationAssessor and PrimateAI. In summary, the available evidence is currently insufficient to determine the role of this variant in disease. Therefore, it has been classified as a Variant of Uncertain Significance.

NM_007194.4(CHEK2):c.704A>T (p.Lys235Met)

Gene: CHEK2 (checkpoint kinase 2; minus strand). Cytogenetic location: 22q12.1.
Variant type: single nucleotide variant.
Coding change: c.704A>T on transcript NM_007194.4 (MANE Select); coding-DNA position 704, A replaced by T.
Protein change: p.Lys235Met; replaces lysine 235 with methionine.
Molecular consequence: missense variant.
Genome position (GRCh38, 1-based): chr22:28,711,997, T>A on the plus strand (A>T on the coding strand, the complement: CHEK2 is on the minus strand). VCF-style: chr22-28711997-T-A. GRCh37 (hg19) VCF-style: chr22-29107985-T-A.
Other names: c.833A>T, p.Lys278Met (NM_001005735.3); c.41A>T, p.Lys14Met (NM_001257387.3); c.503A>T, p.Lys168Met (NM_001349956.3); c.704A>T, p.Lys235Met (NM_145862.3); short protein forms K14M, K168M, K235M, K278M.
Identifiers: ClinVar variation 2573191 (VCV002573191.2), dbSNP rs587782419, ClinGen allele CA411103440.